The following is an entry in ClinVar:

ClinVar aggregate classification (germline): Uncertain significance (1 of 4 stars; one submission).

Allele frequency attached by ClinVar (database versions not stated): gnomAD exomes below 0.00001.
gnomAD v4.1: 1 of 1,614,216 alleles (0.000062%); highest among the groups gnomAD compares: Non-Finnish European, 0.000085%; no homozygotes.

Submission:

GeneDx
Classification: Uncertain significance. Last evaluated: 2020-01-29. Review status: criteria provided, single submitter. Criteria: GeneDx Variant Classification Process June 2021. Collection method: clinical testing. Allele origin: germline. Affected: yes.
Comment: Not observed in large population cohorts (Lek et al., 2016); Has not been previously published as pathogenic or benign to our knowledge; In silico analysis, which includes splice predictors and evolutionary conservation, suggests this variant may impact gene splicing. In the absence of RNA/functional studies, the actual effect of this sequence change is unknown.

NM_001376.5(DYNC1H1):c.2869-10T>G

Gene: DYNC1H1 (dynein cytoplasmic 1 heavy chain 1; plus strand). Cytogenetic location: 14q32.31.
Variant type: single nucleotide variant.
Coding change: c.2869-10T>G on transcript NM_001376.5 (MANE Select); 10 bases into the intron before coding-DNA position 2869, T replaced by G.
Molecular consequence: intron variant.
Genome position (GRCh38, 1-based): chr14:101,991,517, T>G. VCF-style: chr14-101991517-T-G. GRCh37 (hg19) VCF-style: chr14-102457854-T-G.
Identifiers: ClinVar variation 1311483 (VCV001311483.2), dbSNP rs2141278556, ClinGen allele CA2573053847.
Genomic context (GRCh38, chr14:101,991,517, plus strand): 5'-CTCTGTCTTAAAAAAATTTTTTTTATTGAAAAATAGATTGCTGAGTAGAAATGAAACCTT[T>G]CTTTCACAGAATGTCGTTCATGAGCTAAGAATAACCAATCAGGTAATCTACTTGAATCCA-3'